The following is an entry in ClinVar:

NM_004304.5(ALK):c.1017G>C (p.Arg339Ser)

Gene: ALK (ALK receptor tyrosine kinase; minus strand). Cytogenetic location: 2p23.2.
Variant type: single nucleotide variant.
Coding change: c.1017G>C on transcript NM_004304.5 (MANE Select); coding-DNA position 1017, G replaced by C.
Protein change: p.Arg339Ser; replaces arginine 339 with serine.
Molecular consequence: missense variant.
Genome position (GRCh38, 1-based): chr2:29,532,052, C>G on the plus strand (G>C on the coding strand, the complement: ALK is on the minus strand). VCF-style: chr2-29532052-C-G. GRCh37 (hg19) VCF-style: chr2-29754918-C-G.
Other names: short protein forms R339S.
Identifiers: ClinVar variation 3727420 (VCV003727420.2).

ClinVar aggregate classification (germline): Uncertain significance (1 of 4 stars; one submission).

Conditions:
Neuroblastoma, susceptibility to, 3. Also called: ALK-Related Neuroblastic Tumor Susceptibility. Identifiers: Orphanet 635, MedGen C2751681, MONDO:0013083, OMIM 613014.

Submission:

Labcorp Genetics (formerly Invitae), Labcorp
Classification: Uncertain significance for Neuroblastoma, susceptibility to, 3. Last evaluated: 2024-11-03. Review status: criteria provided, single submitter. Criteria: Invitae Variant Classification Sherloc (09022015). Collection method: clinical testing. Allele origin: germline.
Comment: This sequence change replaces arginine, which is basic and polar, with serine, which is neutral and polar, at codon 339 of the ALK protein (p.Arg339Ser). This variant is not present in population databases (gnomAD no frequency). This variant has not been reported in the literature in individuals affected with ALK-related conditions. An algorithm developed to predict the effect of missense changes on protein structure and function (PolyPhen-2) suggests that this variant is likely to be disruptive. In summary, the available evidence is currently insufficient to determine the role of this variant in disease. Therefore, it has been classified as a Variant of Uncertain Significance.